The following is an entry in ClinVar:

NM_032119.4(ADGRV1):c.6631G>C (p.Gly2211Arg)

Gene: ADGRV1 (adhesion G protein-coupled receptor V1; plus strand). Cytogenetic location: 5q14.3.
Variant type: single nucleotide variant.
Coding change: c.6631G>C on transcript NM_032119.4 (MANE Select); coding-DNA position 6631, G replaced by C.
Protein change: p.Gly2211Arg; replaces glycine 2211 with arginine.
Molecular consequence: missense variant. On other transcripts: non-coding transcript variant (1).
Genome position (GRCh38, 1-based): chr5:90,690,001, G>C. VCF-style: chr5-90690001-G-C. GRCh37 (hg19) VCF-style: chr5-89985818-G-C.
Other names: short protein forms G2211R.
Identifiers: ClinVar variation 1362996 (VCV001362996.8), dbSNP rs2149616545, ClinGen allele CA360366609.
Genomic context (GRCh38, chr5:90,690,001, plus strand): 5'-AATGATATCTATCCTGAACTGGAAGAATCTTTTCTTGTGCAACTGATGAATGAAACAACA[G>C]GAGGAGCCAGACTAGGGGCTTTAACAGAGGCAGTCATTATTATTGAGGCCTCTGATGACC-3'
Protein context (NP_115495.3, residues 2201-2221): FLVQLMNETT[Gly2211Arg]GARLGALTEA

ClinVar aggregate classification (germline): Uncertain significance (1 of 4 stars; one submission).

Submission:

Labcorp Genetics (formerly Invitae), Labcorp
Classification: Uncertain significance. Last evaluated: 2022-07-12. Review status: criteria provided, single submitter. Criteria: Invitae Variant Classification Sherloc (09022015). Collection method: clinical testing. Allele origin: germline.
Comment: In summary, the available evidence is currently insufficient to determine the role of this variant in disease. Therefore, it has been classified as a Variant of Uncertain Significance. Algorithms developed to predict the effect of missense changes on protein structure and function are either unavailable or do not agree on the potential impact of this missense change (SIFT: "Deleterious"; PolyPhen-2: "Probably Damaging"; Align-GVGD: "Class C0"). ClinVar contains an entry for this variant (Variation ID: 1362996). This variant has not been reported in the literature in individuals affected with ADGRV1-related conditions. This variant is not present in population databases (gnomAD no frequency). This sequence change replaces glycine, which is neutral and non-polar, with arginine, which is basic and polar, at codon 2211 of the ADGRV1 protein (p.Gly2211Arg).